The following is an entry in ClinVar:

ClinVar aggregate classification (germline): Uncertain significance (1 of 4 stars; one submission).

Conditions:
Aicardi-Goutieres syndrome 5. Identifiers: Orphanet 51, MedGen C2749659, MONDO:0013059, OMIM 612952.

Submission:

Labcorp Genetics (formerly Invitae), Labcorp
Classification: Uncertain significance for Aicardi-Goutieres syndrome 5. Last evaluated: 2022-04-26. Review status: criteria provided, single submitter. Criteria: Invitae Variant Classification Sherloc (09022015). Collection method: clinical testing. Allele origin: germline.
Comment: This variant is not present in population databases (gnomAD no frequency). This sequence change replaces glycine, which is neutral and non-polar, with glutamic acid, which is acidic and polar, at codon 464 of the SAMHD1 protein (p.Gly464Glu). This variant has not been reported in the literature in individuals affected with SAMHD1-related conditions. Algorithms developed to predict the effect of missense changes on protein structure and function output the following: SIFT: "Tolerated"; PolyPhen-2: "Benign"; Align-GVGD: "Class C0". The glutamic acid amino acid residue is found in multiple mammalian species, which suggests that this missense change does not adversely affect protein function. In summary, the available evidence is currently insufficient to determine the role of this variant in disease. Therefore, it has been classified as a Variant of Uncertain Significance.

NM_015474.4(SAMHD1):c.1391G>A (p.Gly464Glu)

Gene: SAMHD1 (SAM and HD domain containing deoxynucleoside triphosphate triphosphohydrolase 1; minus strand). Cytogenetic location: 20q11.23.
Variant type: single nucleotide variant.
Coding change: c.1391G>A on transcript NM_015474.4 (MANE Select); coding-DNA position 1391, G replaced by A.
Protein change: p.Gly464Glu; replaces glycine 464 with glutamic acid.
Molecular consequence: missense variant.
Genome position (GRCh38, 1-based): chr20:36,905,383, C>T on the plus strand (G>A on the coding strand, the complement: SAMHD1 is on the minus strand). VCF-style: chr20-36905383-C-T. GRCh37 (hg19) VCF-style: chr20-35533786-C-T.
Other names: c.1391G>A, p.Gly464Glu (NM_001363729.2, NM_001363733.2); short protein forms G464E.
Identifiers: ClinVar variation 1377270 (VCV001377270.4), dbSNP rs751309562, ClinGen allele CA408842139.